The following is an entry in ClinVar:

NM_033109.5(PNPT1):c.680-10C>T

Gene: PNPT1 (polyribonucleotide nucleotidyltransferase 1; minus strand). Cytogenetic location: 2p16.1.
Variant type: single nucleotide variant.
Coding change: c.680-10C>T on transcript NM_033109.5 (MANE Select); 10 bases into the intron before coding-DNA position 680, C replaced by T.
Molecular consequence: intron variant.
Genome position (GRCh38, 1-based): chr2:55,673,089, G>A on the plus strand (C>T on the coding strand, the complement: PNPT1 is on the minus strand). VCF-style: chr2-55673089-G-A. GRCh37 (hg19) VCF-style: chr2-55900224-G-A.
Identifiers: ClinVar variation 517078 (VCV000517078.1), dbSNP rs1553499878, ClinGen allele CA533179917.
Genomic context (GRCh38, chr2:55,673,089, plus strand): 5'-CATGGCAAAAGTCCTGCTGTAAAATGTTCTCTGCAGAGGCTTCCAACATGACTATTTAAA[G>A]GAAAAAGAAAAAAAAAATGACTGCCATCGAAGCTCTTAGTAATATAACATTTTCAAATAC-3'

ClinVar aggregate classification (germline): Likely benign (1 of 4 stars; one submission).

Allele frequency attached by ClinVar (database versions not stated): TOPMed below 0.00001; gnomAD exomes 0.00002.

Submission:

GeneDx
Classification: Likely benign. Last evaluated: 2018-03-07. Review status: criteria provided, single submitter. Criteria: GeneDx Variant Classification (06012015). Collection method: clinical testing. Allele origin: germline. Affected: yes.
Comment: This variant is considered likely benign or benign based on one or more of the following criteria: it is a conservative change, it occurs at a poorly conserved position in the protein, it is predicted to be benign by multiple in silico algorithms, and/or has population frequency not consistent with disease.